The following is an entry in ClinVar:

NM_001267550.2(TTN):c.54194G>A (p.Arg18065His)

Genes: TTN (titin; minus strand), TTN-AS1 (TTN antisense RNA 1; plus strand). Cytogenetic location: 2q31.2.
Variant type: single nucleotide variant.
Coding change: c.54194G>A on transcript NM_001267550.2 (MANE Select); coding-DNA position 54194, G replaced by A.
Protein change: p.Arg18065His; replaces arginine 18065 with histidine.
Molecular consequence: missense variant. On other transcripts: non-coding transcript variant (1).
Genome position (GRCh38, 1-based): chr2:178,604,895, C>T on the plus strand (G>A on the coding strand, the complement: TTN is on the minus strand). VCF-style: chr2-178604895-C-T. GRCh37 (hg19) VCF-style: chr2-179469622-C-T.
Other names: c.49271G>A, p.Arg16424His (NM_001256850.1); c.26999G>A, p.Arg9000His (NM_003319.4); c.46490G>A, p.Arg15497His (NM_133378.4); c.27374G>A, p.Arg9125His (NM_133432.3); c.27575G>A, p.Arg9192His (NM_133437.4); short protein forms R18065H, R9125H, R15497H, R9000H, R16424H, R9192H.
Identifiers: ClinVar variation 467264 (VCV000467264.11), dbSNP rs375895183, ClinGen allele CA1993667.
Genomic context (GRCh38, chr2:178,604,895, plus strand): 5'-GTCAAGTAGCAAGATTCAGCTTTAATGTCAGTAACAGCAAGATTTCTTGGTGGGGATGGG[C>T]GGTCTGGAAAGGAATCAACAGAGAATATTGAGAAGGCAATTCTTAAACAGACACTGGATG-3'
Protein context (NP_001254479.2, residues 18055-18075): FRNVHVEVYD[Arg18065His]PSPPRNLAVT

ClinVar aggregate classification (germline): Conflicting classifications of pathogenicity. Review status: criteria provided, conflicting classifications (1 of 4 stars). 9 submissions from 5 submitters: Uncertain significance (4); Benign (2); Likely benign (3). Last evaluated 2026-03-27.

Conditions:
Autosomal recessive limb-girdle muscular dystrophy type 2J (LGMDR10). Also called: MUSCULAR DYSTROPHY, LIMB-GIRDLE, AUTOSOMAL RECESSIVE 10; Limb-girdle muscular dystrophy, type 2J. Identifiers: Orphanet 140922, MedGen C1837342, MONDO:0012127, OMIM 608807.
Dilated cardiomyopathy 1G (CMD1G). Identifiers: Orphanet 154, MedGen C1858763, MONDO:0011400, OMIM 604145.
Early-onset myopathy with fatal cardiomyopathy (CMYO5). Also called: CONGENITAL MYOPATHY 5 WITH CARDIOMYOPATHY; Salih Myopathy. Identifiers: Orphanet 289377, MedGen C2673677, MONDO:0012714, OMIM 611705. Disease mechanism: loss of function.
Tibial muscular dystrophy (TMD). Also called: UDD MYOPATHY; Tibial muscular dystrophy, tardive; Udd Distal Myopathy – Tibial Muscular Dystrophy. Identifiers: Orphanet 609, MedGen C1838244, MONDO:0010870, OMIM 600334.
Myopathy, myofibrillar, 9, with early respiratory failure (MFM9). Also called: Hereditary myopathy with early respiratory failure; EDSTROM MYOPATHY; MYOPATHY, PROXIMAL, WITH EARLY RESPIRATORY MUSCLE INVOLVEMENT; Myopathy, distal, with early respiratory failure, autosomal dominant. Identifiers: Orphanet 178464, Orphanet 34521, MedGen C1863599, MONDO:0011362, OMIM 603689.

Allele frequency attached by ClinVar (database versions not stated): TOPMed 0.00002; gnomAD exomes 0.00007 and 0.00010; ESP Exome Variant Server 0.00008; ExAC 0.00009.
gnomAD v4.1: 148 of 1,610,054 alleles (0.0092%); highest among the groups gnomAD compares: East Asian, 0.02%; no homozygotes.

Submissions (9):

Molecular Diagnostic Laboratory for Inherited Cardiovascular Disease, Montreal Heart Institute
Classification: Likely benign. Last evaluated: 2026-03-27. Review status: criteria provided, single submitter. Criteria: ACMG Guidelines, 2015. Collection method: clinical testing. Allele origin: germline. Affected: no.

Blueprint Genetics
Classification: Likely benign. Last evaluated: 2024-11-08. Review status: criteria provided, single submitter. Criteria: ACMG Guidelines, 2015. Collection method: clinical testing. Allele origin: germline.

GeneDx
Classification: Likely benign. Last evaluated: 2019-06-14. Review status: criteria provided, single submitter. Criteria: GeneDx Variant Classification Process June 2021. Collection method: clinical testing. Allele origin: germline. Affected: yes.
Comment: This variant is associated with the following publications: (PMID: 31838722)

Illumina Laboratory Services, Illumina
Classification: Uncertain significance for Dilated cardiomyopathy 1G. Last evaluated: 2018-01-13. Review status: criteria provided, single submitter. Criteria: ICSL Variant Classification Criteria 13 December 2019. Collection method: clinical testing. Allele origin: germline.

Illumina Laboratory Services, Illumina
Classification: Uncertain significance for Autosomal recessive limb-girdle muscular dystrophy type 2J. Last evaluated: 2018-01-13. Review status: criteria provided, single submitter. Criteria: ICSL Variant Classification Criteria 13 December 2019. Collection method: clinical testing. Allele origin: germline.

Illumina Laboratory Services, Illumina
Classification: Uncertain significance for Early-onset myopathy with fatal cardiomyopathy. Last evaluated: 2018-01-13. Review status: criteria provided, single submitter. Criteria: ICSL Variant Classification Criteria 13 December 2019. Collection method: clinical testing. Allele origin: germline.

Illumina Laboratory Services, Illumina
Classification: Benign for Tibial muscular dystrophy. Last evaluated: 2018-01-13. Review status: criteria provided, single submitter. Criteria: ICSL Variant Classification Criteria 13 December 2019. Collection method: clinical testing. Allele origin: germline.
Comment: This variant was observed in the ICSL laboratory as part of a predisposition screen in an ostensibly healthy population. It had not been previously curated by ICSL or reported in the Human Gene Mutation Database (HGMD: prior to June 1st, 2018), and was therefore a candidate for classification through an automated scoring system. Utilizing variant allele frequency, disease prevalence and penetrance estimates, and inheritance mode, an automated score was calculated to assess if this variant is too frequent to cause the disease. Based on the score and internal cut-off values, a variant classified as benign is not then subjected to further curation. The score for this variant resulted in a classification of benign for this disease.

Illumina Laboratory Services, Illumina
Classification: Benign for Myopathy, myofibrillar, 9, with early respiratory failure. Last evaluated: 2018-01-13. Review status: criteria provided, single submitter. Criteria: ICSL Variant Classification Criteria 13 December 2019. Collection method: clinical testing. Allele origin: germline.
Comment: the same text as in the submission from Illumina Laboratory Services, Illumina above.

Labcorp Genetics (formerly Invitae), Labcorp
Classification: Uncertain significance for Dilated cardiomyopathy 1G; Autosomal recessive limb-girdle muscular dystrophy type 2J. Last evaluated: 2017-08-24. Review status: criteria provided, single submitter. Criteria: Invitae Variant Classification Sherloc (09022015). Collection method: clinical testing. Allele origin: germline.